The following is an entry in ClinVar:

ClinVar aggregate classification (germline): Benign/Likely benign. Review status: criteria provided, multiple submitters, no conflicts (2 of 4 stars). 2 submissions from 2 submitters: Benign (1); Likely benign (1). Last evaluated 2026-01-31.

Allele frequency attached by ClinVar (database versions not stated): ESP Exome Variant Server 0.00023; gnomAD 0.00025; TOPMed 0.00026; ExAC 0.00038; gnomAD exomes 0.00042.

Submissions (2):

Labcorp Genetics (formerly Invitae), Labcorp
Classification: Benign. Last evaluated: 2026-01-31. Review status: criteria provided, single submitter. Criteria: Invitae Variant Classification Sherloc (09022015). Collection method: clinical testing. Allele origin: germline.

GeneDx
Classification: Likely benign. Last evaluated: 2017-08-24. Review status: criteria provided, single submitter. Criteria: GeneDx Variant Classification (06012015). Collection method: clinical testing. Allele origin: germline. Affected: yes.
Comment: This variant is considered likely benign or benign based on one or more of the following criteria: it is a conservative change, it occurs at a poorly conserved position in the protein, it is predicted to be benign by multiple in silico algorithms, and/or has population frequency not consistent with disease.

NM_024407.5(NDUFS7):c.408+18C>T

Gene: NDUFS7 (NADH:ubiquinone oxidoreductase core subunit S7; plus strand). Cytogenetic location: 19p13.3.
Variant type: single nucleotide variant.
Coding change: c.408+18C>T on transcript NM_024407.5 (MANE Select); 18 bases into the intron after coding-DNA position 408, C replaced by T.
Molecular consequence: intron variant.
Genome position (GRCh38, 1-based): chr19:1,391,068, C>T. VCF-style: chr19-1391068-C-T. GRCh37 (hg19) VCF-style: chr19-1391067-C-T.
Other names: c.408+18C>T (NM_001363602.2).
Identifiers: ClinVar variation 516387 (VCV000516387.8), dbSNP rs376263178, ClinGen allele CA9043358.
Genomic context (GRCh38, chr19:1,391,068, plus strand): 5'-GGCCGGCACACTCACCAACAAGATGGCCCCAGCGCTTCGCAAGGTAGGCCTCGTCCCAGC[C>T]GCCCAGCCGCCCCCAGAGTGAGCTGCGCACGGACCCCGCCTCTCTTCCAGGTCTACGACC-3'